The following is an entry in ClinVar:

NM_001283009.2(RTEL1):c.1960C>T (p.Pro654Ser)

Genes: RTEL1 (regulator of telomere elongation helicase 1; plus strand), RTEL1-TNFRSF6B (RTEL1-TNFRSF6B readthrough (NMD candidate); plus strand). Cytogenetic location: 20q13.33.
Variant type: single nucleotide variant.
Coding change: c.1960C>T on transcript NM_001283009.2 (MANE Select); coding-DNA position 1960, C replaced by T.
Protein change: p.Pro654Ser; replaces proline 654 with serine.
Molecular consequence: missense variant. On other transcripts: non-coding transcript variant (1).
Genome position (GRCh38, 1-based): chr20:63,689,583, C>T. VCF-style: chr20-63689583-C-T. GRCh37 (hg19) VCF-style: chr20-62320936-C-T.
Other names: c.1291C>T, p.Pro431Ser (NM_001283010.1); c.1960C>T, p.Pro654Ser (NM_016434.4); c.2032C>T, p.Pro678Ser (NM_032957.5); short protein forms P431S, P654S, P678S.
Identifiers: ClinVar variation 5017630 (VCV005017630.1).

ClinVar aggregate classification (germline): Uncertain significance (1 of 4 stars; one submission).

Submission:

GeneDx
Classification: Uncertain significance. Last evaluated: 2026-03-26. Review status: criteria provided, single submitter. Criteria: GeneDx Variant Classification Process June 2021. Collection method: clinical testing. Allele origin: germline.
Comment: Not observed at significant frequency in large population cohorts (gnomAD); In silico analysis supports that this missense variant has a deleterious effect on protein structure/function; Has not been previously published as pathogenic or benign to our knowledge